The following is an entry in ClinVar:

NM_001256071.3(RNF213):c.261+5483G>T

Gene: RNF213 (ring finger protein 213; plus strand). Cytogenetic location: 17q25.3.
Variant type: single nucleotide variant.
Coding change: c.261+5483G>T on transcript NM_001256071.3 (MANE Select); 5483 bases into the intron after coding-DNA position 261, G replaced by T.
Molecular consequence: intron variant. On other transcripts: missense variant (2).
Genome position (GRCh38, 1-based): chr17:80,278,887, G>T. VCF-style: chr17-80278887-G-T. GRCh37 (hg19) VCF-style: chr17-78252686-G-T.
Other names: c.385G>T, p.Val129Leu (NM_001410195.1, NM_020914.5); c.261+5483G>T (NM_020954.4); short protein forms V129L.
Identifiers: ClinVar variation 2648402 (VCV002648402.24), dbSNP rs142863281, ClinGen allele CA8819200.

ClinVar aggregate classification (germline): Likely benign (1 of 4 stars; one submission).

Allele frequency attached by ClinVar (database versions not stated): ESP Exome Variant Server 0.00613; 1000 Genomes Project 0.00160; 1000 Genomes Project 30x 0.00172; ExAC 0.00435.
gnomAD v4.1: 12,053 of 1,537,136 alleles (0.78%); highest among the groups gnomAD compares: Middle Eastern, 1.2%; 61 homozygotes.

Submission:

CeGaT Center for Human Genetics Tuebingen
Classification: Likely benign. Last evaluated: 2026-09-01. Review status: criteria provided, single submitter. Criteria: CeGaT Center For Human Genetics Tuebingen Variant Classification Criteria Version 2. Collection method: clinical testing. Allele origin: germline. Affected: yes. Observed: 6 variant alleles.
Comment: RNF213: BS2